The following is an entry in ClinVar:

NM_004369.4(COL6A3):c.1171C>T (p.His391Tyr)

Gene: COL6A3 (collagen type VI alpha 3 chain; minus strand). Cytogenetic location: 2q37.3.
Variant type: single nucleotide variant.
Coding change: c.1171C>T on transcript NM_004369.4 (MANE Select); coding-DNA position 1171, C replaced by T.
Protein change: p.His391Tyr; replaces histidine 391 with tyrosine.
Molecular consequence: missense variant. On other transcripts: intron variant (2).
Genome position (GRCh38, 1-based): chr2:237,387,723, G>A on the plus strand (C>T on the coding strand, the complement: COL6A3 is on the minus strand). VCF-style: chr2-237387723-G-A. GRCh37 (hg19) VCF-style: chr2-238296366-G-A.
Other names: c.553C>T, p.His185Tyr (NM_057165.5, NM_057167.4); c.92-6224C>T (NM_057166.5, NM_057164.5); short protein forms H185Y, H391Y.
Identifiers: ClinVar variation 2850950 (VCV002850950.3), dbSNP rs2469947896, ClinGen allele CA351221326.

ClinVar aggregate classification (germline): Uncertain significance (1 of 4 stars; one submission).

Conditions:
Bethlem myopathy 1A. Also called: Bethlem myopathy 1; MYOPATHY, BENIGN CONGENITAL, WITH CONTRACTURES; Bethlem Muscular Dystrophy. Identifiers: Orphanet 610, MedGen CN029274, MONDO:0024530, OMIM 158810.

Submission:

Labcorp Genetics (formerly Invitae), Labcorp
Classification: Uncertain significance for Bethlem myopathy 1A. Last evaluated: 2023-06-05. Review status: criteria provided, single submitter. Criteria: Invitae Variant Classification Sherloc (09022015). Collection method: clinical testing. Allele origin: germline.
Comment: This sequence change replaces histidine, which is basic and polar, with tyrosine, which is neutral and polar, at codon 391 of the COL6A3 protein (p.His391Tyr). This variant is not present in population databases (gnomAD no frequency). This variant has not been reported in the literature in individuals affected with COL6A3-related conditions. Advanced modeling of protein sequence and biophysical properties (such as structural, functional, and spatial information, amino acid conservation, physicochemical variation, residue mobility, and thermodynamic stability) performed at Invitae indicates that this missense variant is not expected to disrupt COL6A3 protein function. In summary, the available evidence is currently insufficient to determine the role of this variant in disease. Therefore, it has been classified as a Variant of Uncertain Significance.